The following is an entry in ClinVar:

NM_015295.3(SMCHD1):c.51GGA[1] (p.Glu18del)

Gene: SMCHD1 (structural maintenance of chromosomes flexible hinge domain containing 1; plus strand). Cytogenetic location: 18p11.32.
Variant type: Microsatellite.
Coding change: c.51GGA[1] on transcript NM_015295.3 (MANE Select); one copy of the 3-base unit GGA starting at c.51; the reference has two copies in a row; one copy, 3 bases deleted.
Protein change: p.Glu18del; deletes glutamic acid 18.
Molecular consequence: inframe deletion.
Genome position (GRCh38, 1-based): chr18:2,656,129-2,656,131, GGA deleted; deleting any 3 consecutive bases within chr18:2,656,124-2,656,131 gives the same sequence; the position shown is the placement nearest the transcript's 3' end. VCF-style (leftmost placement, unchanged base first): chr18-2656123-TGAG-T. GRCh37 (hg19) VCF-style: chr18-2656122-TGAG-T.
Other names: short protein forms E18del.
Identifiers: ClinVar variation 1413238 (VCV001413238.6), dbSNP rs1294074624, ClinGen allele CA777943532.

ClinVar aggregate classification (germline): Uncertain significance (1 of 4 stars; one submission).

Conditions:
Facioscapulohumeral muscular dystrophy 2 (FSHD2). Also called: FACIOSCAPULOHUMERAL MUSCULAR DYSTROPHY 2, DIGENIC; FSHD2, DIGENIC; MUSCULAR DYSTROPHY, FACIOSCAPULOHUMERAL, TYPE 1B. Identifiers: Orphanet 269, MedGen C1834671, MONDO:0008031, OMIM 158901.

Submission:

Labcorp Genetics (formerly Invitae), Labcorp
Classification: Uncertain significance for Facioscapulohumeral muscular dystrophy 2. Last evaluated: 2024-02-26. Review status: criteria provided, single submitter. Criteria: Invitae Variant Classification Sherloc (09022015). Collection method: clinical testing. Allele origin: germline.
Comment: This variant, c.54_56del, results in the deletion of 1 amino acid(s) of the SMCHD1 protein (p.Glu18del), but otherwise preserves the integrity of the reading frame. This variant is not present in population databases (gnomAD no frequency). This variant has not been reported in the literature in individuals affected with SMCHD1-related conditions. Experimental studies and prediction algorithms are not available or were not evaluated, and the functional significance of this variant is currently unknown. In summary, the available evidence is currently insufficient to determine the role of this variant in disease. Therefore, it has been classified as a Variant of Uncertain Significance.